The following is an entry in ClinVar:

NM_001367624.2(ZNF469):c.7837C>G (p.Arg2613Gly)

Gene: ZNF469 (zinc finger protein 469; plus strand). Cytogenetic location: 16q24.2.
Variant type: single nucleotide variant.
Coding change: c.7837C>G on transcript NM_001367624.2 (MANE Select); coding-DNA position 7837, C replaced by G.
Protein change: p.Arg2613Gly; replaces arginine 2613 with glycine.
Molecular consequence: missense variant.
Genome position (GRCh38, 1-based): chr16:88,435,307, C>G. VCF-style: chr16-88435307-C-G. GRCh37 (hg19) VCF-style: chr16-88501715-C-G.
Other names: NM_001127464.1:c.7753C>G; short protein forms R2613G.
Identifiers: ClinVar variation 1760468 (VCV001760468.3), dbSNP rs754715853, ClinGen allele CA397115044.

ClinVar aggregate classification (germline): Uncertain significance (1 of 4 stars; one submission).

Conditions:
Cardiovascular phenotype. Identifiers: MedGen CN230736.

gnomAD v4.1: 4 of 1,550,290 alleles (0.00026%); highest among the groups gnomAD compares: East Asian, 0.0024%; no homozygotes.

Submission:

Ambry Genetics
Classification: Uncertain significance for Cardiovascular phenotype. Last evaluated: 2024-08-25. Review status: criteria provided, single submitter. Criteria: Ambry Variant Classification Scheme 2023. Collection method: clinical testing. Allele origin: germline.
Comment: The p.R2585G variant (also known as c.7753C>G), located in coding exon 2 of the ZNF469 gene, results from a C to G substitution at nucleotide position 7753. The arginine at codon 2585 is replaced by glycine, an amino acid with dissimilar properties. This amino acid position is conserved. In addition, this alteration is predicted to be tolerated by in silico analysis. Since supporting evidence is limited at this time, the clinical significance of this alteration remains unclear.